The following is an entry in ClinVar:

ClinVar aggregate classification (germline): Likely benign. Review status: criteria provided, multiple submitters, no conflicts (2 of 4 stars). 7 submissions from 7 submitters: Likely benign (4). 3 of the submissions do not count toward it. Last evaluated 2025-12-20.

Conditions:
Osteoporosis with pseudoglioma (OPPG). Also called: osteoporosis-pseudoglioma syndrome. Identifiers: Orphanet 2788, MedGen C0432252, MONDO:0009820, OMIM 259770.
Worth disease. Also called: ENDOSTEAL HYPEROSTOSIS, AUTOSOMAL DOMINANT; OSTEOSCLEROSIS, AUTOSOMAL DOMINANT; Autosomal dominant osteosclerosis, Worth type. Identifiers: Orphanet 2790, MedGen C0432273, MONDO:0007764, OMIM 144750.
Osteoporosis. Identifiers: MedGen C0029456, MONDO:0005298, OMIM 166710, HP:0000939.
Bone mineral density quantitative trait locus 1 (BMND1). Identifiers: MedGen C1866079, OMIM 601884.
Exudative vitreoretinopathy 1 (EVR1). Also called: FEVR, AUTOSOMAL DOMINANT; Familial exudative vitreoretinopathy, autosomal dominant; CRISWICK-SCHEPENS SYNDROME. Identifiers: Orphanet 891, Orphanet 90050, MedGen C1851402, MONDO:0007589, OMIM 133780.
Polycystic liver disease 4 with or without kidney cysts. Identifiers: MedGen C4693479, MONDO:0044327, OMIM 617875.
Exudative vitreoretinopathy 4 (EVR4). Identifiers: Orphanet 891, MedGen C1866176, MONDO:0011151, OMIM 601813.
Autosomal dominant osteopetrosis 1 (OPTA1). Also called: OSTEOPETROSIS, AUTOSOMAL DOMINANT, TYPE I. Identifiers: Orphanet 2783, MedGen C1843330, MONDO:0011877, OMIM 607634.

Allele frequency attached by ClinVar (database versions not stated): 1000 Genomes Project 30x 0.00016; 1000 Genomes Project 0.00020; ExAC 0.00021; ESP Exome Variant Server 0.00023; gnomAD exomes 0.00024 and 0.00040; gnomAD 0.00038 and 0.00039; TOPMed 0.00041.
gnomAD v4.1: 624 of 1,609,368 alleles (0.039%); highest among the groups gnomAD compares: Non-Finnish European, 0.048%; 1 homozygote.

Submissions (7):

Labcorp Genetics (formerly Invitae), Labcorp
Classification: Likely benign. Last evaluated: 2025-12-20. Review status: criteria provided, single submitter. Criteria: Invitae Variant Classification Sherloc (09022015). Collection method: clinical testing. Allele origin: germline.

CeGaT Center for Human Genetics Tuebingen
Classification: Likely benign. Last evaluated: 2025-07-01. Review status: criteria provided, single submitter. Criteria: CeGaT Center For Human Genetics Tuebingen Variant Classification Criteria Version 2. Collection method: clinical testing. Allele origin: germline. Affected: yes. Observed: 3 variant alleles.
Comment: LRP5: BP4, BP7

Blueprint Genetics
Classification: Likely benign. Last evaluated: 2024-11-27. Review status: criteria provided, single submitter. Criteria: ACMG Guidelines, 2015. Collection method: clinical testing. Allele origin: germline.

Fulgent Genetics
Classification: Likely benign for Exudative vitreoretinopathy 1; Worth disease; Osteoporosis; Osteoporosis with pseudoglioma; Exudative vitreoretinopathy 4; Bone mineral density quantitative trait locus 1; Autosomal dominant osteopetrosis 1; Polycystic liver disease 4 with or without kidney cysts. Last evaluated: 2022-04-13. Review status: criteria provided, single submitter. Criteria: ACMG Guidelines, 2015. Collection method: clinical testing. Allele origin: unknown.

Clinical Genetics DNA and cytogenetics Diagnostics Lab, Erasmus MC, Erasmus Medical Center
Classification: Likely benign. Review status: no assertion criteria provided. Collection method: clinical testing. Allele origin: germline. Affected: yes. Study: VKGL Data-share Consensus. Not counted in ClinVar's aggregate classification.

Clinical Genetics, Academic Medical Center
Classification: Likely benign. Review status: no assertion criteria provided. Collection method: clinical testing. Allele origin: germline. Affected: yes. Study: VKGL Data-share Consensus. Not counted in ClinVar's aggregate classification.

Genome Diagnostics Laboratory, Amsterdam University Medical Center
Classification: Likely benign. Review status: no assertion criteria provided. Collection method: clinical testing. Allele origin: germline. Affected: yes. Study: VKGL Data-share Consensus. Not counted in ClinVar's aggregate classification.

NM_002335.4(LRP5):c.2763C>T (p.Pro921=)

Gene: LRP5 (LDL receptor related protein 5; plus strand). Cytogenetic location: 11q13.2.
Variant type: single nucleotide variant.
Coding change: c.2763C>T on transcript NM_002335.4 (MANE Select); coding-DNA position 2763, C replaced by T.
Protein change: p.Pro921=; no amino-acid change (proline 921 retained).
Molecular consequence: synonymous variant.
Genome position (GRCh38, 1-based): chr11:68,413,948, C>T. VCF-style: chr11-68413948-C-T. GRCh37 (hg19) VCF-style: chr11-68181416-C-T.
Other names: c.1020C>T, p.Pro340= (NM_001291902.2).
Identifiers: ClinVar variation 1107902 (VCV001107902.39), dbSNP rs147158768, ClinGen allele CA6149726.
Genomic context (GRCh38, chr11:68,413,948, plus strand): 5'-TGGCCTCAATGACTGTATGCACAACAACGGGCAGTGTGGGCAGCTGTGCCTTGCCATCCC[C>T]GGCGGCCACCGCTGCGGCTGCGCCTCACACTACACCCTGGACCCCAGCAGCCGCAACTGC-3'
Protein context (NP_002326.2, residues 911-931): GQCGQLCLAI[Pro921=]GGHRCGCASH